The following is an entry in ClinVar:

NM_001365276.2(TNXB):c.9630G>A (p.Val3210=)

Gene: TNXB (tenascin XB; minus strand). Cytogenetic location: 6p21.33.
Variant type: single nucleotide variant.
Coding change: c.9630G>A on transcript NM_001365276.2 (MANE Select); coding-DNA position 9630, G replaced by A.
Protein change: p.Val3210=; no amino-acid change (valine 3210 retained).
Molecular consequence: synonymous variant.
Genome position (GRCh38, 1-based): chr6:32,049,397, C>T on the plus strand (G>A on the coding strand, the complement: TNXB is on the minus strand). VCF-style: chr6-32049397-C-T. GRCh37 (hg19) VCF-style: chr6-32017174-C-T.
Other names: c.10371G>A, p.Val3457= (NM_001428335.1); c.9624G>A, p.Val3208= (NM_019105.8).
Identifiers: ClinVar variation 3459913 (VCV003459913.1).
Genomic context (GRCh38, chr6:32,049,397, plus strand): 5'-GTATTTGCGCCCGGGCTCCAGGCCCCCCACGGTGACCTCGCTCTCCTCGCCCCTGACACG[C>T]ACCACCTGGGGCTGCCCGTCCCTGTCCTTGTACTGCACGGTGAAGGAGTCGAAGCGGCCC-3'
Protein context (NP_001352205.1, residues 3200-3220): YKDRDGQPQV[Val3210=]RVRGEESEVT

ClinVar aggregate classification (germline): Uncertain significance (1 of 4 stars; one submission).

Conditions:
Cardiovascular phenotype. Identifiers: MedGen CN230736.

gnomAD v4.1: 1 of 1,612,686 alleles (0.000062%); highest among the groups gnomAD compares: Non-Finnish European, 0.000085%; no homozygotes.

Submission:

Ambry Genetics
Classification: Uncertain significance for Cardiovascular phenotype. Last evaluated: 2024-12-03. Review status: criteria provided, single submitter. Criteria: Ambry Variant Classification Scheme 2023. Collection method: clinical testing. Allele origin: germline.
Comment: The c.9624G>A variant (also known as p.V3208V), located in coding exon 27 of the TNXB gene, results from a G to A substitution at nucleotide position 9624. This nucleotide substitution does not change the amino acid at codon 3208. This nucleotide position is well conserved in available vertebrate species. In silico splice site analysis predicts that this alteration may result in the creation or strengthening of a novel splice donor site. Based on the available evidence, the clinical significance of this variant remains unclear.